The following is an entry in ClinVar:

ClinVar aggregate classification (germline): Uncertain significance. Review status: criteria provided, multiple submitters, no conflicts (2 of 4 stars). 3 submissions from 3 submitters: Uncertain significance (3). Last evaluated 2023-12-15.

Conditions:
Inborn genetic diseases. Identifiers: MedGen C0950123, MeSH D030342.
Parkinsonism-dystonia, infantile. Identifiers: Orphanet 238455, MedGen C2751067, MONDO:0013150.

Allele frequency attached by ClinVar (database versions not stated): ESP Exome Variant Server 0.00008; gnomAD exomes 0.00008 and 0.00010; ExAC 0.00009; gnomAD 0.00009; TOPMed 0.00014.
gnomAD v4.1: 133 of 1,613,220 alleles (0.0082%); highest among the groups gnomAD compares: Admixed American, 0.043%; no homozygotes.

Submissions (3):

GeneDx
Classification: Uncertain significance. Last evaluated: 2023-12-15. Review status: criteria provided, single submitter. Criteria: GeneDx Variant Classification Process June 2021. Collection method: clinical testing. Allele origin: germline. Affected: yes.
Comment: In silico analysis supports that this missense variant does not alter protein structure/function; Has not been previously published as pathogenic or benign to our knowledge

Labcorp Genetics (formerly Invitae), Labcorp
Classification: Uncertain significance for Parkinsonism-dystonia, infantile. Last evaluated: 2022-08-16. Review status: criteria provided, single submitter. Criteria: Invitae Variant Classification Sherloc (09022015). Collection method: clinical testing. Allele origin: germline.
Comment: This sequence change replaces arginine, which is basic and polar, with glutamine, which is neutral and polar, at codon 588 of the SLC6A3 protein (p.Arg588Gln). This variant is present in population databases (rs376797072, gnomAD 0.04%). This variant has not been reported in the literature in individuals affected with SLC6A3-related conditions. ClinVar contains an entry for this variant (Variation ID: 1043966). Algorithms developed to predict the effect of missense changes on protein structure and function (SIFT, PolyPhen-2, Align-GVGD) all suggest that this variant is likely to be tolerated. In summary, the available evidence is currently insufficient to determine the role of this variant in disease. Therefore, it has been classified as a Variant of Uncertain Significance.

Ambry Genetics
Classification: Uncertain significance for Inborn genetic diseases. Last evaluated: 2021-12-21. Review status: criteria provided, single submitter. Criteria: Ambry Variant Classification Scheme 2023. Collection method: clinical testing. Allele origin: germline.

NM_001044.5(SLC6A3):c.1763G>A (p.Arg588Gln)

Gene: SLC6A3 (solute carrier family 6 member 3). Cytogenetic location: 5p15.33.
Variant type: single nucleotide variant.
Coding change: c.1763G>A on transcript NM_001044.5 (MANE Select); coding-DNA position 1763, G replaced by A.
Protein change: p.Arg588Gln; replaces arginine 588 with glutamine.
Molecular consequence: missense variant.
Genome position (GRCh38, 1-based): chr5:1,402,926, C>T on the plus strand (G>A on the coding strand, the complement: SLC6A3 is on the minus strand). VCF-style: chr5-1402926-C-T. GRCh37 (hg19) VCF-style: chr5-1403041-C-T.
Other names: c.1763G>A (NM_001044.4); short protein forms R588Q.
Identifiers: ClinVar variation 1043966 (VCV001043966.6), dbSNP rs376797072, ClinGen allele CA3185934.